The following is an entry in ClinVar:

NM_000395.3(CSF2RB):c.1204C>G (p.Leu402Val)

Gene: CSF2RB (colony stimulating factor 2 receptor subunit beta; plus strand). Cytogenetic location: 22q12.3.
Variant type: single nucleotide variant.
Coding change: c.1204C>G on transcript NM_000395.3 (MANE Select); coding-DNA position 1204, C replaced by G.
Protein change: p.Leu402Val; replaces leucine 402 with valine.
Molecular consequence: missense variant.
Genome position (GRCh38, 1-based): chr22:36,933,883, C>G. VCF-style: chr22-36933883-C-G. GRCh37 (hg19) VCF-style: chr22-37329925-C-G.
Other names: c.1222C>G, p.Leu408Val (NM_001410827.1); short protein forms L402V, L408V.
Identifiers: ClinVar variation 4739888 (VCV004739888.1).

ClinVar aggregate classification (germline): Uncertain significance (1 of 4 stars; one submission).

Submission:

Labcorp Genetics (formerly Invitae), Labcorp
Classification: Uncertain significance. Last evaluated: 2025-03-26. Review status: criteria provided, single submitter. Criteria: Invitae Variant Classification Sherloc (09022015). Collection method: clinical testing. Allele origin: germline.
Comment: This sequence change replaces leucine, which is neutral and non-polar, with valine, which is neutral and non-polar, at codon 402 of the CSF2RB protein (p.Leu402Val). This variant is not present in population databases (gnomAD no frequency). This variant has not been reported in the literature in individuals affected with CSF2RB-related conditions. Invitae Evidence Modeling of protein sequence and biophysical properties (such as structural, functional, and spatial information, amino acid conservation, physicochemical variation, residue mobility, and thermodynamic stability) indicates that this missense variant is expected to disrupt CSF2RB protein function with a positive predictive value of 80%. In summary, the available evidence is currently insufficient to determine the role of this variant in disease. Therefore, it has been classified as a Variant of Uncertain Significance.